The following is an entry in ClinVar:

ClinVar aggregate classification (germline): Uncertain significance (1 of 4 stars; one submission).

Allele frequency attached by ClinVar (database versions not stated): gnomAD exomes below 0.00001; gnomAD 0.00001; TOPMed 0.00001.
gnomAD v4.1: 7 of 1,613,262 alleles (0.00043%); highest among the groups gnomAD compares: Admixed American, 0.0083%; no homozygotes.

Submissions (2):

Labcorp Genetics (formerly Invitae), Labcorp
Classification: Uncertain significance. Last evaluated: 2022-05-23. Review status: criteria provided, single submitter. Criteria: Invitae Variant Classification Sherloc (09022015). Collection method: clinical testing. Allele origin: germline.
Comment: In summary, the available evidence is currently insufficient to determine the role of this variant in disease. Therefore, it has been classified as a Variant of Uncertain Significance. Variants that disrupt the consensus splice site are a relatively common cause of aberrant splicing (PMID: 17576681, 9536098). Algorithms developed to predict the effect of sequence changes on RNA splicing suggest that this variant may create or strengthen a splice site. This variant has not been reported in the literature in individuals affected with POLR1C-related conditions. This variant is present in population databases (rs751702117, gnomAD 0.009%). This sequence change falls in intron 7 of the POLR1C gene. It does not directly change the encoded amino acid sequence of the POLR1C protein. It affects a nucleotide within the consensus splice site.

Dr. Peter K. Rogan Lab, Western University
No classification provided (evidence only). Condition: Ovarian serous cystadenocarcinoma. Review status: no classification provided. Collection method: in vitro. Allele origin: not applicable. Functional consequence: retained intron. Not counted in ClinVar's aggregate classification.

Literature cited by the submitters: PubMed 17576681 (cited by Labcorp Genetics (formerly Invitae), Labcorp); PubMed 9536098 (cited by Labcorp Genetics (formerly Invitae), Labcorp).

NM_203290.4(POLR1C):c.806-3T>G

Gene: POLR1C (RNA polymerase I and III subunit C; plus strand). Cytogenetic location: 6p21.1.
Variant type: single nucleotide variant.
Coding change: c.806-3T>G on transcript NM_203290.4 (MANE Select); 3 bases into the intron before coding-DNA position 806, T replaced by G.
Molecular consequence: intron variant.
Genome position (GRCh38, 1-based): chr6:43,520,929, T>G. VCF-style: chr6-43520929-T-G. GRCh37 (hg19) VCF-style: chr6-43488667-T-G.
Other names: c.806-3T>G (NM_001318876.2, NM_001363658.2).
Identifiers: ClinVar variation 2181845 (VCV002181845.3), dbSNP rs751702117, ClinGen allele CA3825593.
Genomic context (GRCh38, chr6:43,520,929, plus strand): 5'-CTGGTTTGCTACCAAGTGGCAAATTAGAAAAAGGAATAAAAAAACATGGTTTGTTCTCAT[T>G]AGGTAAAAAGGTGGCCAGAGTTGCCAACCCCCGGCTGGATACCTTCAGCAGAGAAATCTT-3'